The following is an entry in ClinVar:

ClinVar aggregate classification (germline): Likely benign (1 of 4 stars; one submission).

Conditions:
Neurodevelopmental disorder with hypotonia and brain abnormalities. Identifiers: MedGen C5561977, MONDO:0859187, OMIM 619512.

gnomAD v4.1: 15 of 1,605,716 alleles (0.00093%); highest among the groups gnomAD compares: East Asian, 0.0022%; no homozygotes.

Submission:

Victorian Clinical Genetics Services, Murdoch Childrens Research Institute
Classification: Likely benign for Neurodevelopmental disorder with hypotonia and brain abnormalities. Last evaluated: 2022-02-02. Review status: criteria provided, single submitter. Criteria: ACMG Guidelines, 2015. Collection method: clinical testing. Allele origin: germline. Affected: yes.
Comment: Based on the classification scheme VCGS_Germline_v1.3.4, this variant is classified as likely benign. Following criteria are met: 0103 - Loss of function is a likely mechanism of disease, whereas dominant negative and gain of function are suspected mechanisms of disease in this gene, with all mechanisms associated with a neurodevelopmental disorder (PMID: 34186028). Variants predict to result in nonsense-mediated decay have a likely loss of function effect. Missense variants have been speculated to have a gain of function mechanism, however functional studies were inconclusive and as this protein dimerizes, dominant negative is also a possibility (PMID: 34186028). (I) 0108 - This gene is associated with both recessive and dominant disease. Biallelic loss of function variants result in a recessive form of disease, whereas de novo missense variants have been exclusively reported for dominant disease (PMID: 34186028). (I) 0115 - Variants in this gene are known to have variable expressivity. Individuals with neurodevelopmental disorder are described with varying phenotypes and severity (PMID: 34186028). (I) 0200 - Variant is predicted to result in a missense amino acid change from arginine to cysteine. (I) 0251 - This variant is heterozygous. (I) 0302 - Variant is present in gnomAD (v3) <0.001 for a dominant condition (1 heterozygote, 0 homozygotes). (SP) 0501 - Missense variant consistently predicted to be damaging by multiple in silico tools or highly conserved with a major amino acid change. (SP) 0604 - Variant is not located in an established domain, motif, hotspot or informative constraint region. (I) 0705 - No comparable missense variants have previous evidence for pathogenicity. (I) 0807 - This variant has no previous evidence of pathogenicity. (I) 0905 - No published segregation evidence has been identified for this variant. (I) 1007 - No published functional evidence has been identified for this variant. (I) Legend: (SP) - Supporting pathogenic, (I) - Information, (SB) - Supporting benign

Literature cited by the submitters: PubMed 34186028.

NM_001829.4(CLCN3):c.2368C>T (p.Arg790Cys)

Gene: CLCN3 (chloride voltage-gated channel 3; plus strand). Cytogenetic location: 4q33.
Variant type: single nucleotide variant.
Coding change: c.2368C>T on transcript NM_001829.4 (MANE Select); coding-DNA position 2368, C replaced by T.
Protein change: p.Arg790Cys; replaces arginine 790 with cysteine.
Molecular consequence: missense variant.
Genome position (GRCh38, 1-based): chr4:169,719,908, C>T. VCF-style: chr4-169719908-C-T. GRCh37 (hg19) VCF-style: chr4-170641059-C-T.
Other names: c.2287C>T, p.Arg763Cys (NM_001243372.2, NM_001243374.2); c.2444C>T, p.Ala815Val (NM_173872.4); short protein forms A815V, R763C, R790C.
Identifiers: ClinVar variation 3376679 (VCV003376679.1).
Genomic context (GRCh38, chr4:169,719,908, plus strand): 5'-TAGCTTCTCCTTTTATTTTCCCTTTTATTTCATAGGAGTCTTCTGTTTATTCCTTTCAGG[C>T]GCCTCCTTGGCATTATAACAAAAAAAGATATCCTCCGGCATATGGCCCAGACGGCAAACC-3'
Protein context (NP_001820.2, residues 780-800): LRQCLVTHNG[Arg790Cys]LLGIITKKDI